The following is an entry in ClinVar:

NM_000492.4(CFTR):c.2490+1G>A

Gene: CFTR (CF transmembrane conductance regulator; plus strand). Cytogenetic location: 7q31.2.
Variant type: single nucleotide variant.
Coding change: c.2490+1G>A on transcript NM_000492.4 (MANE Select); the canonical splice donor site of the intron after coding-DNA position 2490, G replaced by A.
Molecular consequence: splice donor variant.
Genome position (GRCh38, 1-based): chr7:117,592,658, G>A. VCF-style: chr7-117592658-G-A. GRCh37 (hg19) VCF-style: chr7-117232712-G-A.
Other names: 2622 + 1 G -> A; 2622+1G->A; IVS13, G-A, +1.
Identifiers: ClinVar variation 7175 (VCV000007175.38), dbSNP rs141158996, ClinGen allele CA340649.

ClinVar aggregate classification (germline): Pathogenic. Review status: reviewed by expert panel (3 of 4 stars). 14 submissions from 13 submitters: Pathogenic (1). 13 of the submissions do not count toward it. Last evaluated 2017-03-17.

Conditions:
CFTR-related disorder (CFTR-RD). Also called: CFTR-related condition; CFTR-related disorders. Identifiers: MedGen C5924204, MONDO:7770004.
Hereditary pancreatitis (PCTT). Also called: Hereditary chronic pancreatitis; PRSS1-Related Hereditary Pancreatitis. Identifiers: Orphanet 676, MedGen C0238339, MONDO:0008185, OMIM 167800.
Cystic fibrosis (CF). Also called: MUCOVISCIDOSIS. Identifiers: Orphanet 586, MedGen C0010674, MONDO:0009061, OMIM 219700. Disease mechanism: loss of function.
Congenital bilateral aplasia of vas deferens from CFTR mutation (CBAVD). Identifiers: Orphanet 48, MedGen C0403814, MONDO:0010178, OMIM 277180. Disease mechanism: loss of function.
Bronchiectasis with or without elevated sweat chloride 1 (BESC1). Also called: Cystic Fibrosis-Like Syndrome. Identifiers: Orphanet 60033, MedGen C2749757, MONDO:0008887, OMIM 211400.

Allele frequency attached by ClinVar (database versions not stated): ESP Exome Variant Server 0.00015; TOPMed 0.00001.
gnomAD v4.1: 26 of 1,537,676 alleles (0.0017%); highest among the groups gnomAD compares: Non-Finnish European, 0.0021%; no homozygotes.

Submissions (14):

CFTR2
Classification: Pathogenic for Cystic fibrosis. Last evaluated: 2017-03-17. Review status: reviewed by expert panel. Criteria: Sosnay PR et al. (Nat Genet 2013). Collection method: research. Allele origin: germline. Affected: yes. Study: CFTR2.

Labcorp Genetics (formerly Invitae), Labcorp
Classification: Pathogenic for Cystic fibrosis. Last evaluated: 2026-01-18. Review status: criteria provided, single submitter. Criteria: Invitae Variant Classification Sherloc (09022015). Collection method: clinical testing. Allele origin: germline. Not counted in ClinVar's aggregate classification.
Comment: This sequence change affects a donor splice site in intron 14 of the CFTR gene. It is expected to disrupt RNA splicing. Variants that disrupt the donor or acceptor splice site typically lead to a loss of protein function (PMID: 16199547), and loss-of-function variants in CFTR are known to be pathogenic (PMID: 1695717, 7691345, 9725922). This variant is present in population databases (rs141158996, gnomAD 0.002%). Disruption of this splice site has been observed in individuals with cystic fibrosis (PMID: 7683952, 9239681, 12815607, 20059485, 23974870). This variant is also known as 2622+1G>A. ClinVar contains an entry for this variant (Variation ID: 7175). Algorithms developed to predict the effect of sequence changes on RNA splicing suggest that this variant may disrupt the consensus splice site. For these reasons, this variant has been classified as Pathogenic.

Natera, Inc.
Classification: Pathogenic for CFTR-related disorders. Last evaluated: 2025-09-16. Review status: criteria provided, single submitter. Criteria: Natera Variant Classification Schema (03/2026). Collection method: clinical testing. Allele origin: germline. Not counted in ClinVar's aggregate classification.
Comment: The c.2490+1G>A variant in CFTR is a canonical splice donor site variant predicted to affect pre-mRNA splicing, which may result in an abnormal transcript and altered protein product. This variant is expected to result in nonsense mediated decay, truncation, or a dysfunctional protein product. This variant is rare in the general population with a frequency below the threshold expected for the associated phenotype(s). This variant has been observed in one or more individuals affected with the associated recessive disease, as either homozygous or compound heterozygous with a second variant (PMID: 33929764, 35063397, 34086412, 30089726). Functional studies show that this variant may disrupt protein function (PMID: 29750258). Given the available evidence, this variant is classified as Pathogenic.

Ambry Genetics
Classification: Pathogenic for Cystic fibrosis. Last evaluated: 2025-07-21. Review status: criteria provided, single submitter. Criteria: Ambry Variant Classification Scheme 2023. Collection method: clinical testing. Allele origin: germline. Not counted in ClinVar's aggregate classification.
Comment: The c.2490+1G>A intronic pathogenic mutation (also known as 2622+1G>A) results from a G to A substitution one nucleotide after coding exon 14 of the CFTR gene. This mutation is associated with elevated sweat chloride levels, pancreatic insufficiency, and an increased rate of Pseudomonas infection (Sosnay PR et al. Nat. Genet., 2013 Oct;45:1160-7). This nucleotide position is highly conserved in available vertebrate species. In silico splice site analysis predicts that this alteration will weaken the native splice donor site and will result in the creation or strengthening of a novel splice donor site. Alterations that disrupt the canonical splice site are expected to cause aberrant splicing, resulting in an abnormal protein or a transcript that is subject to nonsense-mediated mRNA decay. As such, this alteration is classified as a disease-causing mutation.

Mayo Clinic Laboratories, Mayo Clinic
Classification: Pathogenic. Last evaluated: 2024-07-16. Review status: criteria provided, single submitter. Criteria: ACMG Guidelines, 2015. Collection method: clinical testing. Allele origin: germline. Observed: 3 variant alleles. Not counted in ClinVar's aggregate classification.
Comment: PP3, PM2_supporting, PM3_very_strong, PVS1

Fulgent Genetics
Classification: Pathogenic for Hereditary pancreatitis; Bronchiectasis with or without elevated sweat chloride 1; Cystic fibrosis; Congenital bilateral aplasia of vas deferens from CFTR mutation. Last evaluated: 2024-03-13. Review status: criteria provided, single submitter. Criteria: ACMG Guidelines, 2015. Collection method: clinical testing. Allele origin: germline. Not counted in ClinVar's aggregate classification.

ARUP Laboratories, Molecular Genetics and Genomics, ARUP Laboratories
Classification: Pathogenic for Cystic fibrosis. Last evaluated: 2023-12-21. Review status: criteria provided, single submitter. Criteria: ARUP Molecular Germline Variant Investigation Process 2024. Collection method: clinical testing. Allele origin: germline. Not counted in ClinVar's aggregate classification.
Comment: The CFTR c.2490+1G>A variant (rs141158996), also known as 2622+1G>A, has been identified in many individuals affected with pancreatic insufficient forms of cystic fibrosis (see link for CFTR2 database, Audrezet 1993, Dorfman 2010, Krenkova 2013, Scotet 2003, Sosnay 2013) and at least one individual with congenital bilateral absence of the vas deferens (De Braekeleer 1996). This variant is also reported in ClinVar (Variation ID: 7175). This variant disrupts the canonical splice donor site of intron 13, which is likely to negatively impact gene function. Based on available information, this variant is considered pathogenic. References: Link to CFTR2 database: Audrezet M et al. Identification of 12 novel mutations in the CFTR gene. Hum Mol Genet. 1993 Jan;2(1):51-4. PMID: 7683952. De Braekeleer M et al. Mutations in the cystic fibrosis gene in men with congenital bilateral absence of the vas deferens. Mol Hum Reprod. 1996 Sep;2(9):669-77. PMID: 9239681. Dorfman R et al. Do common in silico tools predict the clinical consequences of amino-acid substitutions in the CFTR gene? Clin Genet. 2010 May;77(5):464-73. PMID: 20059485. Krenkova P et al. Distribution of CFTR mutations in the Czech population: positive impact of integrated clinical and laboratory expertise, detection of novel/de novo alleles and relevance for related/derived populations. J Cyst Fibros. 2013 Sep;12(5):532-7. PMID: 23276700. Scotet V et al. Comparison of the CFTR mutation spectrum in three cohorts of patients of Celtic origin from Brittany (France) and Ireland. Hum Mutat. 2003 Jul;22(1):105. PMID: 12815607. Sosnay P et al. Defining the disease liability of variants in the cystic fibrosis transmembrane conductance regulator gene. Nat Genet. 2013 Oct;45(10):1160-7. PMID: 23974870.

Genome Diagnostics Laboratory, The Hospital for Sick Children
Classification: Pathogenic for Cystic fibrosis. Last evaluated: 2019-07-31. Review status: criteria provided, single submitter. Criteria: ACMG Guidelines, 2015. Collection method: clinical testing. Allele origin: germline. Not counted in ClinVar's aggregate classification.

CFTR-France
Classification: Pathogenic for cystic fibrosis. Last evaluated: 2018-01-29. Review status: criteria provided, single submitter. Criteria: Claustres M et al. (Hum Mutat 2017). Collection method: curation. Allele origin: germline. Affected: yes. Not counted in ClinVar's aggregate classification.

Women's Health and Genetics/Laboratory Corporation of America, LabCorp
Classification: Pathogenic for Cystic fibrosis. Last evaluated: 2016-06-07. Review status: criteria provided, single submitter. Criteria: LabCorp Variant Classification Summary - May 2015. Collection method: clinical testing. Allele origin: germline. Not counted in ClinVar's aggregate classification.
Comment: Variant summary: The CFTR c.2490+1G>A variant involves the alteration of a conserved intronic nucleotide. One in silico tool predicts a damaging outcome for this variant, and 5/5 splicing algorithms predict the variant to abolish the canonical splice donor site. This variant was found in 2/109598 control chromosomes at a frequency of 0.0000182, which does not exceed the estimated maximal expected allele frequency of a pathogenic CFTR variant (0.0129603). The variant has been cited in numerous classic CF patients in the literature in trans with pathogenic variants, including deltaF508. In addition, multiple clinical diagnostic laboratories/reputable databases classified this variant as pathogenic/likely pathogenic. Taken together, this variant is classified as pathogenic.

PreventionGenetics, part of Exact Sciences
Classification: Pathogenic for CFTR-related condition. Last evaluated: 2024-03-20. Review status: no assertion criteria provided. Collection method: clinical testing. Allele origin: germline. Not counted in ClinVar's aggregate classification.
Comment: The CFTR c.2490+1G>A variant is predicted to disrupt the GT donor site and interfere with normal splicing. This variant, also known as c.2622+1G>A, has been repeatedly documented as pathogenic in individuals with cystic fibrosis (Audrezet et al. 1993. PubMed ID: 7683952; Scotet et al. 2003. PubMed ID: 12815607; Sosnay et al. 2013, PubMed ID: 23974870). Multiple clinical diagnostic labs have interpreted this variant as pathogenic. This variant is reported in 0.0021% of alleles in individuals of European (Non-Finnish) descent in gnomAD. Variants that disrupt the consensus splice donor site in CFTR are expected to be pathogenic. This variant is interpreted as pathogenic.

Genome Diagnostics Laboratory, The Hospital for Sick Children
Classification: Pathogenic for CFTR-related disorders. Last evaluated: 2019-07-31. Review status: no assertion criteria provided. Collection method: clinical testing. Allele origin: germline. Not counted in ClinVar's aggregate classification.

OMIM
Classification: Pathogenic for CYSTIC FIBROSIS. Last evaluated: 2018-04-09. Review status: no assertion criteria provided. Collection method: literature only. Allele origin: germline. Not counted in ClinVar's aggregate classification.

Counsyl
Classification: Pathogenic for Cystic fibrosis. Last evaluated: 2015-07-21. Review status: no assertion criteria provided. Collection method: clinical testing. Allele origin: unknown. Not counted in ClinVar's aggregate classification.

Literature cited by the submitters: PubMed 16199547 (cited by Labcorp Genetics (formerly Invitae), Labcorp); PubMed 1695717 (cited by Labcorp Genetics (formerly Invitae), Labcorp); PubMed 7691345 (cited by Labcorp Genetics (formerly Invitae), Labcorp); PubMed 9725922 (cited by Labcorp Genetics (formerly Invitae), Labcorp); PubMed 7683952 (cited by 5 submitters); PubMed 9239681 (cited by Labcorp Genetics (formerly Invitae), Labcorp and Women's Health and Genetics/Laboratory Corporation of America, LabCorp); PubMed 12815607 (cited by Labcorp Genetics (formerly Invitae), Labcorp and Women's Health and Genetics/Laboratory Corporation of America, LabCorp); PubMed 20059485 (cited by Labcorp Genetics (formerly Invitae), Labcorp and Counsyl); PubMed 23974870 (cited by 5 submitters); PubMed 33929764 (cited by Natera, Inc.); PubMed 35063397 (cited by Natera, Inc.); PubMed 34086412 (cited by Natera, Inc.); PubMed 30089726 (cited by Natera, Inc.); PubMed 29750258 (cited by Natera, Inc.); PubMed 23523379 (cited by Mayo Clinic Laboratories, Mayo Clinic); PubMed 26014425 (cited by Mayo Clinic Laboratories, Mayo Clinic); PubMed 31036917 (cited by Mayo Clinic Laboratories, Mayo Clinic); PubMed 33442025 (cited by Mayo Clinic Laboratories, Mayo Clinic); PubMed 34782259 (cited by Mayo Clinic Laboratories, Mayo Clinic); PubMed 37310422 (cited by Mayo Clinic Laboratories, Mayo Clinic); PubMed 37547293 (cited by Mayo Clinic Laboratories, Mayo Clinic); PubMed 12215837 (cited by Women's Health and Genetics/Laboratory Corporation of America, LabCorp); PubMed 24697796 (cited by Women's Health and Genetics/Laboratory Corporation of America, LabCorp); PubMed 15024729 (cited by OMIM).